The following is an entry in ClinVar:

NM_000384.3(APOB):c.10357A>G (p.Thr3453Ala)

Gene: APOB (apolipoprotein B; minus strand). Cytogenetic location: 2p24.1.
Variant type: single nucleotide variant.
Coding change: c.10357A>G on transcript NM_000384.3 (MANE Select); coding-DNA position 10357, A replaced by G.
Protein change: p.Thr3453Ala; replaces threonine 3453 with alanine.
Molecular consequence: missense variant.
Genome position (GRCh38, 1-based): chr2:21,006,511, T>C on the plus strand (A>G on the coding strand, the complement: APOB is on the minus strand). VCF-style: chr2-21006511-T-C. GRCh37 (hg19) VCF-style: chr2-21229383-T-C.
Other names: short protein forms T3453A.
Identifiers: ClinVar variation 1772197 (VCV001772197.2), dbSNP rs2465360016, ClinGen allele CA345986708.
Genomic context (GRCh38, chr2:21,006,511, plus strand): 5'-CGGTAGAGTACAGCATTGAAGAATTGAAATCATACTTAAATTCCATGGAGGAAGAGACAG[T>C]AGGTTTTGACTTGGTATTTCCATTAAGTTCTTGCTTGAAATTCATTCTCAAAATTGGAAT-3'
Protein context (NP_000375.3, residues 3443-3463): ELNGNTKSKP[Thr3453Ala]VSSSMEFKYD

ClinVar aggregate classification (germline): Uncertain significance (1 of 4 stars; one submission).

Conditions:
Cardiovascular phenotype. Identifiers: MedGen CN230736.

Submission:

Ambry Genetics
Classification: Uncertain significance for Cardiovascular phenotype. Last evaluated: 2022-06-02. Review status: criteria provided, single submitter. Criteria: Ambry Variant Classification Scheme 2023. Collection method: clinical testing. Allele origin: germline.
Comment: The p.T3453A variant (also known as c.10357A>G), located in coding exon 26 of the APOB gene, results from an A to G substitution at nucleotide position 10357. The threonine at codon 3453 is replaced by alanine, an amino acid with similar properties. This amino acid position is conserved. In addition, this alteration is predicted to be tolerated by in silico analysis. Since supporting evidence is limited at this time, the clinical significance of this alteration remains unclear.